The following is an entry in ClinVar:

NM_000135.4(FANCA):c.2705A>G (p.Asp902Gly)

Gene: FANCA (FA complementation group A; minus strand). Cytogenetic location: 16q24.3.
Variant type: single nucleotide variant.
Coding change: c.2705A>G on transcript NM_000135.4 (MANE Select); coding-DNA position 2705, A replaced by G.
Protein change: p.Asp902Gly; replaces aspartic acid 902 with glycine.
Molecular consequence: missense variant.
Genome position (GRCh38, 1-based): chr16:89,764,963, T>C on the plus strand (A>G on the coding strand, the complement: FANCA is on the minus strand). VCF-style: chr16-89764963-T-C. GRCh37 (hg19) VCF-style: chr16-89831371-T-C.
Other names: c.2705A>G, p.Asp902Gly (NM_001286167.3); short protein forms D902G.
Identifiers: ClinVar variation 3848030 (VCV003848030.1).

ClinVar aggregate classification (germline): Uncertain significance (1 of 4 stars; one submission).

Conditions:
Inborn genetic diseases. Identifiers: MedGen C0950123, MeSH D030342.

Submission:

Ambry Genetics
Classification: Uncertain significance for Inborn genetic diseases. Last evaluated: 2024-12-16. Review status: criteria provided, single submitter. Criteria: Ambry Variant Classification Scheme 2023. Collection method: clinical testing. Allele origin: germline.
Comment: The p.D902G variant (also known as c.2705A>G), located in coding exon 28 of the FANCA gene, results from an A to G substitution at nucleotide position 2705. The aspartic acid at codon 902 is replaced by glycine, an amino acid with similar properties. This amino acid position is conserved. In addition, the in silico prediction for this alteration is inconclusive. Based on the available evidence, the clinical significance of this variant remains unclear.